The following is an entry in ClinVar:

NM_024577.4(SH3TC2):c.*5689A>C

Gene: SH3TC2 (SH3 domain and tetratricopeptide repeats 2; minus strand). Cytogenetic location: 5q32.
Variant type: single nucleotide variant.
Coding change: c.*5689A>C on transcript NM_024577.4 (MANE Select); 5689 bases downstream of the stop codon, A replaced by C.
Molecular consequence: 3 prime UTR variant.
Genome position (GRCh38, 1-based): chr5:148,999,022, T>G on the plus strand (A>C on the coding strand, the complement: SH3TC2 is on the minus strand). VCF-style: chr5-148999022-T-G. GRCh37 (hg19) VCF-style: chr5-148378585-T-G.
Identifiers: ClinVar variation 351804 (VCV000351804.5), dbSNP rs537285537, ClinGen allele CA10620685.

ClinVar aggregate classification (germline): Conflicting classifications of pathogenicity. Review status: criteria provided, conflicting classifications (1 of 4 stars). 2 submissions from 1 submitter: Uncertain significance (1); Likely benign (1). Last evaluated 2018-01-13.

Conditions:
Susceptibility to mononeuropathy of the median nerve, mild. Also called: CARPAL TUNNEL SYNDROME, SUSCEPTIBILITY TO. Identifiers: MedGen C3150596, MONDO:0013237, OMIM 613353.
Charcot-Marie-Tooth disease type 4C (CMT4C). Also called: CHARCOT-MARIE-TOOTH DISEASE, DEMYELINATING, AUTOSOMAL RECESSIVE, TYPE 4C; CMT 4C; Charcot-Marie-Tooth Neuropathy Type 4C (CMT4C); CHARCOT-MARIE-TOOTH DISEASE, DEMYELINATING, TYPE 4C; SH3TC2-Related Hereditary Motor and Sensory Neuropathy. Identifiers: Orphanet 99949, MedGen C1866636, MONDO:0011113, OMIM 601596.

Allele frequency attached by ClinVar (database versions not stated): TOPMed 0.00044; 1000 Genomes Project 0.00120; 1000 Genomes Project 30x 0.00125; gnomAD 0.00321 and 0.00334.
gnomAD v4.1: 483 of 152,336 alleles (0.32%); highest among the groups gnomAD compares: South Asian, 0.14%; 9 homozygotes.

Submissions (2):

Illumina Laboratory Services, Illumina
Classification: Likely benign for Susceptibility to mononeuropathy of the median nerve, mild. Last evaluated: 2018-01-13. Review status: criteria provided, single submitter. Criteria: ICSL Variant Classification Criteria 13 December 2019. Collection method: clinical testing. Allele origin: germline.
Comment: This variant was observed in the ICSL laboratory as part of a predisposition screen in an ostensibly healthy population. It had not been previously curated by ICSL or reported in the Human Gene Mutation Database (HGMD: prior to June 1st, 2018), and was therefore a candidate for classification through an automated scoring system. Utilizing variant allele frequency, disease prevalence and penetrance estimates, and inheritance mode, an automated score was calculated to assess if this variant is too frequent to cause the disease. Based on the score and internal cut-off values, a variant classified as likely benign is not then subjected to further curation. The score for this variant resulted in a classification of likely benign for this disease.

Illumina Laboratory Services, Illumina
Classification: Uncertain significance for Charcot-Marie-Tooth disease type 4C. Last evaluated: 2018-01-13. Review status: criteria provided, single submitter. Criteria: ICSL Variant Classification Criteria 13 December 2019. Collection method: clinical testing. Allele origin: germline.